The following is an entry in ClinVar:

ClinVar aggregate classification (germline): Conflicting classifications of pathogenicity. Review status: criteria provided, conflicting classifications (1 of 4 stars). 9 submissions from 9 submitters: Uncertain significance (7); Likely benign (1). 1 of the submissions does not count toward it. Last evaluated 2026-08-14.

Conditions:
Inborn genetic diseases. Identifiers: MedGen C0950123, MeSH D030342.
Ehlers-Danlos syndrome, dermatosparaxis type. Also called: Ehlers-Danlos syndrome, type VII, autosomal recessive; Dermatosparaxis; EDS VIIC. Identifiers: Orphanet 1901, MedGen C2700425, MONDO:0009161, OMIM 225410.

Allele frequency attached by ClinVar (database versions not stated): gnomAD 0.00011; TOPMed 0.00014; gnomAD exomes 0.00015; 1000 Genomes Project 30x 0.00016; 1000 Genomes Project 0.00020; ExAC 0.00045.

Submissions (9):

GeneDx
Classification: Uncertain significance. Last evaluated: 2026-08-14. Review status: criteria provided, single submitter. Criteria: GeneDx Variant Classification Process June 2021. Collection method: clinical testing. Allele origin: germline.
Comment: Has not been previously published as pathogenic or benign to our knowledge; In silico analysis suggests that this missense variant does not alter protein structure/function; Not observed at significant frequency in large population cohorts (gnomAD)

Women's Health and Genetics/Laboratory Corporation of America, LabCorp
Classification: Uncertain significance. Last evaluated: 2026-05-12. Review status: criteria provided, single submitter. Criteria: LabCorp Variant Classification Summary - May 2015. Collection method: clinical testing. Allele origin: germline.
Comment: Variant summary: ADAMTS2 c.1903G>A (p.Glu635Lys) results in a conservative amino acid change in the encoded protein sequence. Algorithms developed to predict the effect of missense changes on protein structure and function are either unavailable or do not agree on the potential impact of this missense change. The variant allele was found at a frequency of 0.00015 in 194070 control chromosomes. This frequency is not significantly higher than estimated for disease-causing variants in ADAMTS2, allowing no conclusion about variant significance. To our knowledge, no occurrence of c.1903G>A in individuals affected with ADAMTS2-related conditions and no experimental evidence demonstrating its impact on protein function have been reported. ClinVar contains an entry for this variant (Variation ID: 469667). Based on the evidence outlined above, the variant was classified as uncertain significance.

Labcorp Genetics (formerly Invitae), Labcorp
Classification: Uncertain significance for Ehlers-Danlos syndrome, dermatosparaxis type. Last evaluated: 2025-01-31. Review status: criteria provided, single submitter. Criteria: Invitae Variant Classification Sherloc (09022015). Collection method: clinical testing. Allele origin: germline.
Comment: This sequence change replaces glutamic acid, which is acidic and polar, with lysine, which is basic and polar, at codon 635 of the ADAMTS2 protein (p.Glu635Lys). This variant is present in population databases (rs371099308, gnomAD 0.02%). This variant has not been reported in the literature in individuals affected with ADAMTS2-related conditions. ClinVar contains an entry for this variant (Variation ID: 469667). An algorithm developed to predict the effect of missense changes on protein structure and function outputs the following: PolyPhen-2: "Possibly Damaging". The lysine amino acid residue is found in multiple mammalian species, which suggests that this missense change does not adversely affect protein function. In summary, the available evidence is currently insufficient to determine the role of this variant in disease. Therefore, it has been classified as a Variant of Uncertain Significance.

Ambry Genetics
Classification: Uncertain significance for Inborn genetic diseases. Last evaluated: 2024-11-23. Review status: criteria provided, single submitter. Criteria: Ambry Variant Classification Scheme 2023. Collection method: clinical testing. Allele origin: germline.

CeGaT Center for Human Genetics Tuebingen
Classification: Uncertain significance. Last evaluated: 2024-07-01. Review status: criteria provided, single submitter. Criteria: CeGaT Center For Human Genetics Tuebingen Variant Classification Criteria Version 2. Collection method: clinical testing. Allele origin: germline. Affected: yes. Observed: 1 variant allele.

Blueprint Genetics
Classification: Likely benign. Last evaluated: 2024-06-03. Review status: criteria provided, single submitter. Criteria: ACMG Guidelines, 2015. Collection method: clinical testing. Allele origin: germline.

Mayo Clinic Laboratories, Mayo Clinic
Classification: Uncertain significance. Last evaluated: 2019-08-17. Review status: criteria provided, single submitter. Criteria: ACMG Guidelines, 2015. Collection method: clinical testing. Allele origin: germline. Observed: 1 variant allele.

Illumina Laboratory Services, Illumina
Classification: Uncertain significance for Ehlers-Danlos syndrome, dermatosparaxis type. Last evaluated: 2018-01-12. Review status: criteria provided, single submitter. Criteria: ICSL Variant Classification Criteria 13 December 2019. Collection method: clinical testing. Allele origin: germline.

Natera, Inc.
Classification: Uncertain significance for Ehlers-Danlos syndrome type VIIC. Last evaluated: 2019-10-28. Review status: no assertion criteria provided. Collection method: clinical testing. Allele origin: germline. Not counted in ClinVar's aggregate classification.

NM_014244.5(ADAMTS2):c.1903G>A (p.Glu635Lys)

Gene: ADAMTS2 (ADAM metallopeptidase with thrombospondin type 1 motif 2; minus strand). Cytogenetic location: 5q35.3.
Variant type: single nucleotide variant.
Coding change: c.1903G>A on transcript NM_014244.5 (MANE Select); coding-DNA position 1903, G replaced by A.
Protein change: p.Glu635Lys; replaces glutamic acid 635 with lysine.
Molecular consequence: missense variant.
Genome position (GRCh38, 1-based): chr5:179,137,817, C>T on the plus strand (G>A on the coding strand, the complement: ADAMTS2 is on the minus strand). VCF-style: chr5-179137817-C-T. GRCh37 (hg19) VCF-style: chr5-178564818-C-T.
Other names: short protein forms E635K.
Identifiers: ClinVar variation 469667 (VCV000469667.41), dbSNP rs371099308, ClinGen allele CA3595751.